The following is an entry in ClinVar:

NM_014946.4(SPAST):c.16G>T (p.Gly6Ter)

Gene: SPAST (spastin; plus strand). Cytogenetic location: 2p22.3.
Variant type: single nucleotide variant.
Coding change: c.16G>T on transcript NM_014946.4 (MANE Select); coding-DNA position 16, G replaced by T.
Protein change: p.Gly6Ter; replaces glycine 6 with a stop codon.
Molecular consequence: nonsense.
Genome position (GRCh38, 1-based): chr2:32,063,847, G>T. VCF-style: chr2-32063847-G-T. GRCh37 (hg19) VCF-style: chr2-32288916-G-T.
Other names: c.16G>T, p.Gly6Ter (NM_001363823.2, NM_001363875.2, NM_001377959.1 and 1 more transcripts); short protein forms G6*.
Identifiers: ClinVar variation 2862316 (VCV002862316.3), dbSNP rs2465679369, ClinGen allele CA346601200.

ClinVar aggregate classification (germline): Pathogenic (1 of 4 stars; one submission).

Conditions:
Hereditary spastic paraplegia 4. Also called: Spastic Paraplegia 4; Spastic paraplegia 4, autosomal dominant; Familial spastic paraplegia autosomal dominant 2. Identifiers: Orphanet 100985, MedGen C1866855, MONDO:0008438, OMIM 182601.

Submission:

Labcorp Genetics (formerly Invitae), Labcorp
Classification: Pathogenic for Hereditary spastic paraplegia 4. Last evaluated: 2023-05-05. Review status: criteria provided, single submitter. Criteria: Invitae Variant Classification Sherloc (09022015). Collection method: clinical testing. Allele origin: germline.
Comment: This sequence change creates a premature translational stop signal (p.Gly6*) in the SPAST gene. It is expected to result in an absent or disrupted protein product. Loss-of-function variants in SPAST are known to be pathogenic (PMID: 20932283). This variant is not present in population databases (gnomAD no frequency). This variant has not been reported in the literature in individuals affected with SPAST-related conditions. For these reasons, this variant has been classified as Pathogenic.

Literature cited by the submitters: PubMed 20932283.